The following is an entry in ClinVar:

ClinVar aggregate classification (germline): Likely benign (0 of 4 stars; one submission).

Conditions:
CCAR2-related disorder. Also called: CCAR2-related condition.

Allele frequency attached by ClinVar (database versions not stated): TOPMed below 0.00001; gnomAD exomes 0.00001; ExAC 0.00003.
gnomAD v4.1: 28 of 1,614,070 alleles (0.0017%); highest among the groups gnomAD compares: African/African-American, 0.008%; no homozygotes.

Submission:

PreventionGenetics, part of Exact Sciences
Classification: Likely benign for CCAR2-related condition. Last evaluated: 2019-10-28. Review status: no assertion criteria provided. Collection method: clinical testing. Allele origin: germline.
Comment: This variant is classified as likely benign based on ACMG/AMP sequence variant interpretation guidelines (Richards et al. 2015 PMID: 25741868, with internal and published modifications).

NM_001393997.1(CCAR2):c.1062A>G (p.Glu354=)

Gene: CCAR2 (cell cycle and apoptosis regulator 2; plus strand). Cytogenetic location: 8p21.3.
Variant type: single nucleotide variant.
Coding change: c.1062A>G on transcript NM_001393997.1 (MANE Select); coding-DNA position 1062, A replaced by G.
Protein change: p.Glu354=; no amino-acid change (glutamic acid 354 retained).
Molecular consequence: synonymous variant.
Genome position (GRCh38, 1-based): chr8:22,614,858, A>G. VCF-style: chr8-22614858-A-G. GRCh37 (hg19) VCF-style: chr8-22472371-A-G.
Other names: c.1062A>G, p.Glu354= (NM_001363068.2, NM_001363069.2, NM_021174.6).
Identifiers: ClinVar variation 3040793 (VCV003040793.2), dbSNP rs200083666, ClinGen allele CA4670627.